The following is an entry in ClinVar:

NM_032608.7(MYO18B):c.3548A>C (p.Gln1183Pro)

Gene: MYO18B (myosin XVIIIB; plus strand). Cytogenetic location: 22q12.1.
Variant type: single nucleotide variant.
Coding change: c.3548A>C on transcript NM_032608.7 (MANE Select); coding-DNA position 3548, A replaced by C.
Protein change: p.Gln1183Pro; replaces glutamine 1183 with proline.
Molecular consequence: missense variant.
Genome position (GRCh38, 1-based): chr22:25,846,279, A>C. VCF-style: chr22-25846279-A-C. GRCh37 (hg19) VCF-style: chr22-26242246-A-C.
Other names: c.3551A>C, p.Gln1184Pro (NM_001318245.2); short protein forms Q1183P, Q1184P.
Identifiers: ClinVar variation 1414964 (VCV001414964.6), dbSNP rs1355752028, ClinGen allele CA410999531.

ClinVar aggregate classification (germline): Uncertain significance (1 of 4 stars; one submission).

Allele frequency attached by ClinVar (database versions not stated): gnomAD exomes 0.00002.
gnomAD v4.1: 20 of 1,611,326 alleles (0.0012%); highest among the groups gnomAD compares: Non-Finnish European, 0.0016%; no homozygotes.

Submission:

Labcorp Genetics (formerly Invitae), Labcorp
Classification: Uncertain significance. Last evaluated: 2021-09-29. Review status: criteria provided, single submitter. Criteria: Invitae Variant Classification Sherloc (09022015). Collection method: clinical testing. Allele origin: germline.
Comment: In summary, the available evidence is currently insufficient to determine the role of this variant in disease. Therefore, it has been classified as a Variant of Uncertain Significance. Algorithms developed to predict the effect of missense changes on protein structure and function are either unavailable or do not agree on the potential impact of this missense change (SIFT: "Not Available"; PolyPhen-2: "Probably Damaging"; Align-GVGD: "Not Available"). This variant has not been reported in the literature in individuals affected with MYO18B-related conditions. This variant is not present in population databases (ExAC no frequency). This sequence change replaces glutamine with proline at codon 1183 of the MYO18B protein (p.Gln1183Pro). The glutamine residue is moderately conserved and there is a moderate physicochemical difference between glutamine and proline.